The following is an entry in ClinVar:

NM_147127.5(EVC2):c.3554G>A (p.Arg1185Gln)

Gene: EVC2 (EvC ciliary complex subunit 2; minus strand). Cytogenetic location: 4p16.2.
Variant type: single nucleotide variant.
Coding change: c.3554G>A on transcript NM_147127.5 (MANE Select); coding-DNA position 3554, G replaced by A.
Protein change: p.Arg1185Gln; replaces arginine 1185 with glutamine.
Molecular consequence: missense variant.
Genome position (GRCh38, 1-based): chr4:5,568,447, C>T on the plus strand (G>A on the coding strand, the complement: EVC2 is on the minus strand). VCF-style: chr4-5568447-C-T. GRCh37 (hg19) VCF-style: chr4-5570174-C-T.
Other names: c.3314G>A, p.Arg1105Gln (NM_001166136.2); short protein forms R1185Q, R1105Q.
Identifiers: ClinVar variation 2052036 (VCV002052036.2), dbSNP rs772517447, ClinGen allele CA2834280.

ClinVar aggregate classification (germline): Uncertain significance (1 of 4 stars; one submission).

Conditions:
Ellis-van Creveld syndrome (EVC). Also called: Chondroectodermal dysplasia; MESOECTODERMAL DYSPLASIA; EVC-Related Ellis-van Creveld Syndrome; EVC2-Related Ellis-van Creveld Syndrome. Identifiers: Orphanet 289, MedGen C0013903, MONDO:0009162, OMIM 225500.
Curry-Hall syndrome (WAD). Also called: WEYERS ACRODENTAL DYSOSTOSIS. Identifiers: Orphanet 952, MedGen C0457013, MONDO:0008673, OMIM 193530.

Allele frequency attached by ClinVar (database versions not stated): TOPMed 0.00001; gnomAD exomes 0.00003; gnomAD 0.00005; ExAC 0.00009.
gnomAD v4.1: 44 of 1,554,070 alleles (0.0028%); highest among the groups gnomAD compares: Admixed American, 0.0056%; no homozygotes.

Submission:

Labcorp Genetics (formerly Invitae), Labcorp
Classification: Uncertain significance for Curry-Hall syndrome; Ellis-van Creveld syndrome. Last evaluated: 2026-01-17. Review status: criteria provided, single submitter. Criteria: Invitae Variant Classification Sherloc (09022015). Collection method: clinical testing. Allele origin: germline.
Comment: This sequence change replaces arginine, which is basic and polar, with glutamine, which is neutral and polar, at codon 1185 of the EVC2 protein (p.Arg1185Gln). This variant is present in population databases (rs772517447, gnomAD 0.1%). This variant has not been reported in the literature in individuals affected with EVC2-related conditions. ClinVar contains an entry for this variant (Variation ID: 2052036). An algorithm developed to predict the effect of missense changes on protein structure and function (PolyPhen-2) suggests that this variant is likely to be tolerated. In summary, the available evidence is currently insufficient to determine the role of this variant in disease. Therefore, it has been classified as a Variant of Uncertain Significance.